The following is an entry in ClinVar:

ClinVar aggregate classification (germline): Pathogenic (1 of 4 stars; one submission).

Conditions:
Ehlers-Danlos syndrome, dermatosparaxis type. Also called: Dermatosparaxis; Ehlers-Danlos syndrome, type VII, autosomal recessive; EDS VIIC. Identifiers: Orphanet 1901, MedGen C2700425, MONDO:0009161, OMIM 225410.

Submission:

Labcorp Genetics (formerly Invitae), Labcorp
Classification: Pathogenic for Ehlers-Danlos syndrome, dermatosparaxis type. Last evaluated: 2019-04-13. Review status: criteria provided, single submitter. Criteria: Invitae Variant Classification Sherloc (09022015). Collection method: clinical testing. Allele origin: germline.
Comment: For these reasons, this variant has been classified as Pathogenic. This sequence change creates a premature translational stop signal (p.His282Profs*19) in the ADAMTS2 gene. It is expected to result in an absent or disrupted protein product. This variant is not present in population databases (ExAC no frequency). This variant has not been reported in the literature in individuals with ADAMTS2-related conditions. Loss-of-function variants in ADAMTS2 are known to be pathogenic (PMID: 10417273).

Literature cited by the submitters: PubMed 10417273.

NM_014244.5(ADAMTS2):c.842dup (p.His282fs)

Gene: ADAMTS2 (ADAM metallopeptidase with thrombospondin type 1 motif 2; minus strand). Cytogenetic location: 5q35.3.
Variant type: Duplication.
Coding change: c.842dup on transcript NM_014244.5 (MANE Select); coding-DNA position 842, one base duplicated (T; older notation c.842dupT).
Protein change: p.His282fs; shifts the reading frame from histidine 282.
Molecular consequence: frameshift variant.
Genome position (GRCh38, 1-based): chr5:179,207,562, A duplicated on the plus strand (T on the coding strand, the reverse complement: ADAMTS2 is on the minus strand); the first of 2 consecutive A bases (chr5:179,207,562-179,207,563); duplicating either gives the same sequence. VCF-style (leftmost placement, unchanged base first): chr5-179207561-G-GA. GRCh37 (hg19) VCF-style: chr5-178634562-G-GA.
Other names: c.842dup, p.His282fs (NM_021599.4); short protein forms H282fs.
Identifiers: ClinVar variation 952616 (VCV000952616.8), dbSNP rs1764730959, ClinGen allele CA1139659296.